The following is an entry in ClinVar:

ClinVar aggregate classification (germline): Uncertain significance. Review status: criteria provided, multiple submitters, no conflicts (2 of 4 stars). 2 submissions from 2 submitters: Uncertain significance (2). Last evaluated 2025-10-27.

gnomAD v4.1: 2 of 1,211,516 alleles (0.00017%); highest among the groups gnomAD compares: South Asian, 0.0035%; no homozygotes.

Submissions (2):

Labcorp Genetics (formerly Invitae), Labcorp
Classification: Uncertain significance. Last evaluated: 2025-10-27. Review status: criteria provided, single submitter. Criteria: Invitae Variant Classification Sherloc (09022015). Collection method: clinical testing. Allele origin: germline.
Comment: This sequence change replaces serine, which is neutral and polar, with arginine, which is basic and polar, at codon 488 of the CLCN5 protein (p.Ser488Arg). This variant is not present in population databases (gnomAD no frequency). This variant has not been reported in the literature in individuals affected with CLCN5-related conditions. ClinVar contains an entry for this variant (Variation ID: 1309466). An algorithm developed to predict the effect of missense changes on protein structure and function (PolyPhen-2) suggests that this variant is likely to be tolerated. In summary, the available evidence is currently insufficient to determine the role of this variant in disease. Therefore, it has been classified as a Variant of Uncertain Significance.

GeneDx
Classification: Uncertain significance. Last evaluated: 2020-05-14. Review status: criteria provided, single submitter. Criteria: GeneDx Variant Classification Process June 2021. Collection method: clinical testing. Allele origin: germline. Affected: yes.
Comment: Not observed in large population cohorts (Lek et al., 2016); The majority of missense variants in this gene are considered pathogenic (Stenson et al., 2014); In silico analysis, which includes protein predictors and evolutionary conservation, supports that this variant does not alter protein structure/function; Has not been previously published as pathogenic or benign to our knowledge

NM_001127898.4(CLCN5):c.1674C>G (p.Ser558Arg)

Gene: CLCN5 (chloride voltage-gated channel 5; plus strand). Cytogenetic location: Xp11.23.
Variant type: single nucleotide variant.
Coding change: c.1674C>G on transcript NM_001127898.4 (MANE Select); coding-DNA position 1674, C replaced by G.
Protein change: p.Ser558Arg; replaces serine 558 with arginine.
Molecular consequence: missense variant.
Genome position (GRCh38, 1-based): chrX:50,088,814, C>G. VCF-style: chrX-50088814-C-G. GRCh37 (hg19) VCF-style: chrX-49853471-C-G.
Other names: c.1464C>G, p.Ser488Arg (NM_000084.5); c.1674C>G, p.Ser558Arg (NM_001127899.4); c.1524C>G, p.Ser508Arg (NM_001282163.2); short protein forms S488R, S508R, S558R.
Identifiers: ClinVar variation 1309466 (VCV001309466.3), dbSNP rs2147601639, ClinGen allele CA413188271.